The following is an entry in ClinVar:

NM_138691.3(TMC1):c.141T>A (p.Asp47Glu)

Gene: TMC1 (transmembrane channel like 1; plus strand). Cytogenetic location: 9q21.13.
Variant type: single nucleotide variant.
Coding change: c.141T>A on transcript NM_138691.3 (MANE Select); coding-DNA position 141, T replaced by A.
Protein change: p.Asp47Glu; replaces aspartic acid 47 with glutamic acid.
Molecular consequence: missense variant.
Genome position (GRCh38, 1-based): chr9:72,694,619, T>A. VCF-style: chr9-72694619-T-A. GRCh37 (hg19) VCF-style: chr9-75309535-T-A.
Other names: short protein forms D47E.
Identifiers: ClinVar variation 47859 (VCV000047859.18), dbSNP rs140388347, ClinGen allele CA142053.

ClinVar aggregate classification (germline): Conflicting classifications of pathogenicity. Review status: criteria provided, conflicting classifications (1 of 4 stars). 6 submissions from 6 submitters: Uncertain significance (3); Likely benign (3). Last evaluated 2026-01-27.

Conditions:
TMC1-related disorder. Also called: TMC1-related disorders; TMC1-related condition.
Inborn genetic diseases. Identifiers: MedGen C0950123, MeSH D030342.

Allele frequency attached by ClinVar (database versions not stated): gnomAD 0.00060 and 0.00061; ESP Exome Variant Server 0.00062; TOPMed 0.00075; 1000 Genomes Project 0.00100; 1000 Genomes Project 30x 0.00141.
gnomAD v4.1: 163 of 1,612,932 alleles (0.01%); highest among the groups gnomAD compares: African/African-American, 0.2%; no homozygotes.

Submissions (6):

Labcorp Genetics (formerly Invitae), Labcorp
Classification: Likely benign. Last evaluated: 2026-01-27. Review status: criteria provided, single submitter. Criteria: Invitae Variant Classification Sherloc (09022015). Collection method: clinical testing. Allele origin: germline.

Women's Health and Genetics/Laboratory Corporation of America, LabCorp
Classification: Likely benign. Last evaluated: 2026-01-27. Review status: criteria provided, single submitter. Criteria: LabCorp Variant Classification Summary - May 2015. Collection method: clinical testing. Allele origin: germline.
Comment: Variant summary: TMC1 c.141T>A (p.Asp47Glu) results in a conservative amino acid change in the encoded protein sequence. Algorithms developed to predict the effect of missense changes on protein structure and function all suggest that this variant is likely to be tolerated. The variant allele was found at a frequency of 0.00014 in 249926 control chromosomes, predominantly at a frequency of 0.002 within the African or African-American subpopulation in the gnomAD database. The observed variant frequency within African or African-American control individuals in the gnomAD database exceeds the estimated maximal expected allele frequency for disease-causing variants in TMC1. To our knowledge, no occurrence of c.141T>A in individuals affected with TMC1-related conditions and no experimental evidence demonstrating its impact on protein function have been reported. ClinVar contains an entry for this variant (Variation ID: 47859). Based on the evidence outlined above, the variant was classified as likely benign.

PreventionGenetics, part of Exact Sciences
Classification: Likely benign for TMC1-related condition. Last evaluated: 2025-04-19. Review status: criteria provided, single submitter. Criteria: ACMG Guidelines, 2015. Collection method: clinical testing. Allele origin: germline.
Comment: This variant is classified as likely benign based on ACMG/AMP sequence variant interpretation guidelines (Richards et al. 2015 PMID: 25741868, with internal and published modifications).

Ambry Genetics
Classification: Uncertain significance for Inborn genetic diseases. Last evaluated: 2024-11-20. Review status: criteria provided, single submitter. Criteria: Ambry Variant Classification Scheme 2023. Collection method: clinical testing. Allele origin: germline.

GeneDx
Classification: Uncertain significance. Last evaluated: 2020-11-19. Review status: criteria provided, single submitter. Criteria: GeneDx Variant Classification Process June 2021. Collection method: clinical testing. Allele origin: germline. Affected: yes.
Comment: In silico analysis, which includes protein predictors and evolutionary conservation, supports that this variant does not alter protein structure/function; Has not been previously published as pathogenic or benign to our knowledge

Laboratory for Molecular Medicine, Mass General Brigham Personalized Medicine
Classification: Uncertain significance. Last evaluated: 2015-07-21. Review status: criteria provided, single submitter. Criteria: LMM Criteria. Collection method: clinical testing. Allele origin: germline. Observed: 2 variant alleles.
Comment: Variant classified as Uncertain Significance - Favor Benign. The p.Asp47Glu vari ant in TMC1 has not been previously reported in individuals with hearing loss. This variant has been identified in 0.2% (21/9910) of African chromosomes by the Exome Aggregation Consortium (ExAC; dbSNP rs140 388347). Computational prediction tools and conservation analyses suggest that t he Asp47Glu variant may not impact the protein, though this information is not p redictive enough to rule out pathogenicity. In summary, while the clinical sign ificance of the p.Asp47Glu variant is uncertain, these data suggest that it is m ore likely to be benign.